The following is an entry in ClinVar:

NM_022369.4(STRA6):c.983G>C (p.Gly328Ala)

Gene: STRA6 (signaling receptor and transporter of retinol STRA6; minus strand). Cytogenetic location: 15q24.1.
Variant type: single nucleotide variant.
Coding change: c.983G>C on transcript NM_022369.4 (MANE Select); coding-DNA position 983, G replaced by C.
Protein change: p.Gly328Ala; replaces glycine 328 with alanine.
Molecular consequence: missense variant.
Genome position (GRCh38, 1-based): chr15:74,189,222, C>G on the plus strand (G>C on the coding strand, the complement: STRA6 is on the minus strand). VCF-style: chr15-74189222-C-G. GRCh37 (hg19) VCF-style: chr15-74481563-C-G.
Other names: c.983G>C, p.Gly328Ala (NM_001142617.2, NM_001142618.2, NM_001437994.1); c.956G>C, p.Gly319Ala (NM_001142619.2); c.1094G>C, p.Gly365Ala (NM_001199040.2); c.1028G>C, p.Gly343Ala (NM_001199041.2); c.1100G>C, p.Gly367Ala (NM_001199042.2); short protein forms G343A, G319A, G365A, G328A, G367A.
Identifiers: ClinVar variation 4737073 (VCV004737073.1).

ClinVar aggregate classification (germline): Uncertain significance (1 of 4 stars; one submission).

Conditions:
Microphthalmia, syndromic 9. Also called: Matthew-Wood syndrome; ANOPHTHALMIA, CLINICAL, WITH MILD FACIAL DYSMORPHISM AND VARIABLE MALFORMATIONS OF THE LUNG, HEART, AND DIAPHRAGM; ANOPHTHALMIA/MICROPHTHALMIA AND PULMONARY HYPOPLASIA; PULMONARY AGENESIS, MICROPHTHALMIA, AND DIAPHRAGMATIC DEFECT; SPEAR SYNDROME. Identifiers: Orphanet 2470, MedGen C1832661, MONDO:0011010, OMIM 601186.

gnomAD v4.1: 1 of 1,611,338 alleles (0.000062%); highest among the groups gnomAD compares: Non-Finnish European, 0.000085%; no homozygotes.

Submission:

Labcorp Genetics (formerly Invitae), Labcorp
Classification: Uncertain significance for Microphthalmia, syndromic 9. Last evaluated: 2025-10-09. Review status: criteria provided, single submitter. Criteria: Invitae Variant Classification Sherloc (09022015). Collection method: clinical testing. Allele origin: germline.
Comment: This sequence change replaces glycine, which is neutral and non-polar, with alanine, which is neutral and non-polar, at codon 328 of the STRA6 protein (p.Gly328Ala). This variant is not present in population databases (gnomAD no frequency). This variant has not been reported in the literature in individuals affected with STRA6-related conditions. Invitae Evidence Modeling of protein sequence and biophysical properties (such as structural, functional, and spatial information, amino acid conservation, physicochemical variation, residue mobility, and thermodynamic stability) indicates that this missense variant is not expected to disrupt STRA6 protein function with a negative predictive value of 80%. In summary, the available evidence is currently insufficient to determine the role of this variant in disease. Therefore, it has been classified as a Variant of Uncertain Significance.